The following is an entry in ClinVar:

NM_012232.6(CAVIN1):c.*766T>A

Gene: CAVIN1 (caveolae associated protein 1; minus strand). Cytogenetic location: 17q21.2.
Variant type: single nucleotide variant.
Coding change: c.*766T>A on transcript NM_012232.6 (MANE Select); 766 bases downstream of the stop codon, T replaced by A.
Molecular consequence: 3 prime UTR variant.
Genome position (GRCh38, 1-based): chr17:42,403,921, A>T on the plus strand (T>A on the coding strand, the complement: CAVIN1 is on the minus strand). VCF-style: chr17-42403921-A-T. GRCh37 (hg19) VCF-style: chr17-40555939-A-T.
Identifiers: ClinVar variation 323268 (VCV000323268.6), dbSNP rs709631, ClinGen allele CA10639682.

ClinVar aggregate classification (germline): Benign. Review status: criteria provided, multiple submitters, no conflicts (2 of 4 stars). 2 submissions from 2 submitters: Benign (2). Last evaluated 2017-04-27.

Conditions:
Congenital generalized lipodystrophy type 4. Also called: BERARDINELLI-SEIP CONGENITAL LIPODYSTROPHY, TYPE 4, WITH MUSCULAR DYSTROPHY. Identifiers: Orphanet 228429, MedGen C2750069, MONDO:0013225, OMIM 613327.

Allele frequency attached by ClinVar (database versions not stated): 1000 Genomes Project 30x 0.53014; 1000 Genomes Project 0.53235; gnomAD 0.57783 and 0.58069; TOPMed 0.57911.

Submissions (2):

Illumina Laboratory Services, Illumina
Classification: Benign for Congenital generalized lipodystrophy type 4. Last evaluated: 2017-04-27. Review status: criteria provided, single submitter. Criteria: ICSL Variant Classification Criteria 13 December 2019. Collection method: clinical testing. Allele origin: germline.
Comment: This variant was observed as part of a predisposition screen in an ostensibly healthy population. A literature search was performed for the gene, cDNA change, and amino acid change (where applicable). No publications were found based on this search. Allele frequency data from public databases was too high to be consistent with this variant causing disease. Therefore, this variant is classified as benign.

Breakthrough Genomics
Classification: Benign. Review status: criteria provided, single submitter. Criteria: ACMG Guidelines, 2015. Collection method: not provided. Allele origin: germline. Inheritance: Autosomal recessive inheritance. Affected: yes.